The following is an entry in ClinVar:

NM_000360.4(TH):c.1038G>C (p.Gln346His)

Gene: TH (tyrosine hydroxylase; minus strand). Cytogenetic location: 11p15.5.
Variant type: single nucleotide variant.
Coding change: c.1038G>C on transcript NM_000360.4 (MANE Select); coding-DNA position 1038, G replaced by C.
Protein change: p.Gln346His; replaces glutamine 346 with histidine.
Molecular consequence: missense variant.
Genome position (GRCh38, 1-based): chr11:2,166,489, C>G on the plus strand (G>C on the coding strand, the complement: TH is on the minus strand). VCF-style: chr11-2166489-C-G. GRCh37 (hg19) VCF-style: chr11-2187719-C-G.
Other names: c.1131G>C, p.Gln377His (NM_199292.3); c.1119G>C, p.Gln373His (NM_199293.3); short protein forms Q373H, Q346H, Q377H.
Identifiers: ClinVar variation 1347764 (VCV001347764.6), dbSNP rs770006796, ClinGen allele CA5818409.

ClinVar aggregate classification (germline): Uncertain significance (1 of 4 stars; one submission).

Conditions:
TH-deficient dopa-responsive dystonia. Also called: Tyrosine Hydroxylase-Deficient Dopa-Responsive Dystonia; Segawa syndrome, autosomal recessive; DYT-TH. Identifiers: Orphanet 101150, MedGen C2673535, MONDO:0011551, OMIM 605407.

Allele frequency attached by ClinVar (database versions not stated): TOPMed 0.00001; ExAC 0.00002; gnomAD exomes below 0.00001 and 0.00001; gnomAD 0.00001.

Submission:

Labcorp Genetics (formerly Invitae), Labcorp
Classification: Uncertain significance for TH-deficient dopa-responsive dystonia. Last evaluated: 2026-02-02. Review status: criteria provided, single submitter. Criteria: Invitae Variant Classification Sherloc (09022015). Collection method: clinical testing. Allele origin: germline.
Comment: This sequence change replaces glutamine, which is neutral and polar, with histidine, which is basic and polar, at codon 377 of the TH protein (p.Gln377His). This variant is present in population databases (rs770006796, gnomAD 0.002%). This variant has not been reported in the literature in individuals affected with TH-related conditions. ClinVar contains an entry for this variant (Variation ID: 1347764). Invitae Evidence Modeling of protein sequence and biophysical properties (such as structural, functional, and spatial information, amino acid conservation, physicochemical variation, residue mobility, and thermodynamic stability) has been performed for this missense variant. However, the output from this modeling did not meet the statistical confidence thresholds required to predict the impact of this variant on TH protein function. In summary, the available evidence is currently insufficient to determine the role of this variant in disease. Therefore, it has been classified as a Variant of Uncertain Significance.